The following is an entry in ClinVar:

NM_006363.6(SEC23B):c.1512-2A>T

Gene: SEC23B (SEC23 homolog B, COPII component; plus strand). Cytogenetic location: 20p11.23.
Variant type: single nucleotide variant.
Coding change: c.1512-2A>T on transcript NM_006363.6 (MANE Select); the canonical splice acceptor site of the intron before coding-DNA position 1512, A replaced by T.
Molecular consequence: splice acceptor variant.
Genome position (GRCh38, 1-based): chr20:18,543,017, A>T. VCF-style: chr20-18543017-A-T. GRCh37 (hg19) VCF-style: chr20-18523661-A-T.
Other names: c.1512-2A>T (NM_032986.5, NM_001172745.3, NM_032985.6); c.1458-2A>T (NM_001172746.3).
Identifiers: ClinVar variation 3748985 (VCV003748985.2).

ClinVar aggregate classification (germline): Likely pathogenic (1 of 4 stars; one submission).

Conditions:
Congenital dyserythropoietic anemia, type II (CDAN2). Also called: DYSERYTHROPOIETIC ANEMIA, HEMPAS TYPE. Identifiers: Orphanet 98873, MedGen C1306589, MONDO:0009134, OMIM 224100.
Cowden syndrome 7 (CWS7). Identifiers: Orphanet 201, MedGen C4225179, MONDO:0014802, OMIM 616858.

gnomAD v4.1: 5 of 1,614,164 alleles (0.00031%); highest among the groups gnomAD compares: Non-Finnish European, 0.00042%; no homozygotes.

Submission:

Labcorp Genetics (formerly Invitae), Labcorp
Classification: Likely pathogenic for Congenital dyserythropoietic anemia, type II; Cowden syndrome 7. Last evaluated: 2024-03-07. Review status: criteria provided, single submitter. Criteria: Invitae Variant Classification Sherloc (09022015). Collection method: clinical testing. Allele origin: germline.
Comment: This sequence change affects an acceptor splice site in intron 13 of the SEC23B gene. It is expected to disrupt RNA splicing. Variants that disrupt the donor or acceptor splice site typically lead to a loss of protein function (PMID: 16199547), and loss-of-function variants in SEC23B are known to be pathogenic (PMID: 19561605, 25044164). This variant is present in population databases (rs749502550, gnomAD 0.003%). This variant has not been reported in the literature in individuals affected with SEC23B-related conditions. Algorithms developed to predict the effect of sequence changes on RNA splicing suggest that this variant may disrupt the consensus splice site. In summary, the currently available evidence indicates that the variant is pathogenic, but additional data are needed to prove that conclusively. Therefore, this variant has been classified as Likely Pathogenic.

Literature cited by the submitters: PubMed 16199547; PubMed 19561605; PubMed 25044164.